The following is an entry in ClinVar:

NM_001375808.2(LPIN2):c.2547-11C>T

Gene: LPIN2 (lipin 2; minus strand). Cytogenetic location: 18p11.31.
Variant type: single nucleotide variant.
Coding change: c.2547-11C>T on transcript NM_001375808.2 (MANE Select); 11 bases into the intron before coding-DNA position 2547, C replaced by T.
Molecular consequence: intron variant.
Genome position (GRCh38, 1-based): chr18:2,920,448, G>A on the plus strand (C>T on the coding strand, the complement: LPIN2 is on the minus strand). VCF-style: chr18-2920448-G-A. GRCh37 (hg19) VCF-style: chr18-2920446-G-A.
Other names: c.2547-11C>T (NM_014646.2, NM_001375809.1).
Identifiers: ClinVar variation 245642 (VCV000245642.10), dbSNP rs776045621, ClinGen allele CA8872671.

ClinVar aggregate classification (germline): Benign/Likely benign. Review status: criteria provided, multiple submitters, no conflicts (2 of 4 stars). 2 submissions from 2 submitters: Benign (1); Likely benign (1). Last evaluated 2025-12-12.

Conditions:
Majeed syndrome (MJDS). Also called: CHRONIC RECURRENT MULTIFOCAL OSTEOMYELITIS 1, WITH CONGENITAL DYSERYTHROPOIETIC ANEMIA, WITH OR WITHOUT NEUTROPHILIC DERMATOSIS; LPIN2-Related Majeed Syndrome. Identifiers: Orphanet 77297, MedGen C1864997, MONDO:0012316, OMIM 609628.

Allele frequency attached by ClinVar (database versions not stated): ExAC 0.00003; gnomAD 0.00003; gnomAD exomes 0.00003 and 0.00006; TOPMed 0.00003.
gnomAD v4.1: 86 of 1,613,410 alleles (0.0053%); highest among the groups gnomAD compares: Admixed American, 0.013%; no homozygotes.

Submissions (2):

Labcorp Genetics (formerly Invitae), Labcorp
Classification: Likely benign for Majeed syndrome. Last evaluated: 2025-12-12. Review status: criteria provided, single submitter. Criteria: Invitae Variant Classification Sherloc (09022015). Collection method: clinical testing. Allele origin: germline.

GeneDx
Classification: Benign. Last evaluated: 2015-07-23. Review status: criteria provided, single submitter. Criteria: GeneDx Variant Classification (06012015). Collection method: clinical testing. Allele origin: germline. Affected: yes.
Comment: This variant is considered likely benign or benign based on one or more of the following criteria: it is a conservative change, it occurs at a poorly conserved position in the protein, it is predicted to be benign by multiple in silico algorithms, and/or has population frequency not consistent with disease.